The following is an entry in ClinVar:

NM_002474.3(MYH11):c.261G>A (p.Val87=)

Gene: MYH11 (myosin heavy chain 11; minus strand). Cytogenetic location: 16p13.11.
Variant type: single nucleotide variant.
Coding change: c.261G>A on transcript NM_002474.3 (MANE Select); coding-DNA position 261, G replaced by A.
Protein change: p.Val87=; no amino-acid change (valine 87 retained).
Molecular consequence: synonymous variant.
Genome position (GRCh38, 1-based): chr16:15,837,992, C>T on the plus strand (G>A on the coding strand, the complement: MYH11 is on the minus strand). VCF-style: chr16-15837992-C-T. GRCh37 (hg19) VCF-style: chr16-15931849-C-T.
Other names: c.261G>A, p.Val87= (NM_001040113.2, NM_001040114.2, NM_022844.3).
Identifiers: ClinVar variation 1590301 (VCV001590301.9), dbSNP rs1193273261, ClinGen allele CA494102534.

ClinVar aggregate classification (germline): Conflicting classifications of pathogenicity. Review status: criteria provided, conflicting classifications (1 of 4 stars). 2 submissions from 2 submitters: Uncertain significance (1); Likely benign (1). Last evaluated 2024-03-11.

Conditions:
Familial thoracic aortic aneurysm and aortic dissection (TAAD). Also called: Thoracic aortic aneurysms and dissections. Identifiers: Orphanet 91387, MedGen C4707243, MONDO:0019625.
Aortic aneurysm, familial thoracic 4 (AAT4). Also called: AORTIC ANEURYSM/AORTIC DISSECTION AND PATENT DUCTUS ARTERIOSUS. Identifiers: MedGen C1851504, MONDO:0007568, OMIM 132900.

Allele frequency attached by ClinVar (database versions not stated): TOPMed below 0.00001.

Submissions (2):

Labcorp Genetics (formerly Invitae), Labcorp
Classification: Likely benign for Aortic aneurysm, familial thoracic 4. Last evaluated: 2024-03-11. Review status: criteria provided, single submitter. Criteria: Invitae Variant Classification Sherloc (09022015). Collection method: clinical testing. Allele origin: germline.

All of Us Research Program, National Institutes of Health
Classification: Uncertain significance for Familial thoracic aortic aneurysm and aortic dissection. Last evaluated: 2023-09-04. Review status: criteria provided, single submitter. Criteria: ACMG Guidelines, 2015. Collection method: clinical testing. Allele origin: germline. Inheritance: Autosomal dominant inheritance. Observed: 2 variant alleles, 2 heterozygotes.
Comment: This variant is located in the MYH11 protein. To our knowledge, functional studies have not been reported for this variant. This variant has not been reported in individuals affected with MYH11-related disorders in the literature. This variant has not been identified in the general population by the Genome Aggregation Database (gnomAD). The available evidence is insufficient to determine the role of this variant in disease conclusively. Therefore, this variant is classified as a Variant of Uncertain Significance.

This study involves interpretation of variants in research participants for the purpose of population health screening. Participant phenotype was not available at the time of variant classification. Additional details can be found in publication PMID: 35346344, PMCID: PMC8962531